The following is an entry in ClinVar:

NM_006218.4(PIK3CA):c.773A>C (p.Asp258Ala)

Gene: PIK3CA (phosphatidylinositol-4,5-bisphosphate 3-kinase catalytic subunit alpha; plus strand). Cytogenetic location: 3q26.32.
Variant type: single nucleotide variant.
Coding change: c.773A>C on transcript NM_006218.4 (MANE Select); coding-DNA position 773, A replaced by C.
Protein change: p.Asp258Ala; replaces aspartic acid 258 with alanine.
Molecular consequence: missense variant.
Genome position (GRCh38, 1-based): chr3:179,201,500, A>C. VCF-style: chr3-179201500-A-C. GRCh37 (hg19) VCF-style: chr3-178919288-A-C.
Other names: short protein forms D258A.
Identifiers: ClinVar variation 4627636 (VCV004627636.1).

ClinVar aggregate classification (germline): Uncertain significance (1 of 4 stars; one submission).

Conditions:
Inborn genetic diseases. Identifiers: MedGen C0950123, MeSH D030342.

Submission:

Ambry Genetics
Classification: Uncertain significance for Inborn genetic diseases. Last evaluated: 2025-11-26. Review status: criteria provided, single submitter. Criteria: Ambry Variant Classification Scheme 2023. Collection method: clinical testing. Allele origin: germline.
Comment: The p.D258A variant (also known as c.773A>C), located in coding exon 3 of the PIK3CA gene, results from an A to C substitution at nucleotide position 773. The aspartic acid at codon 258 is replaced by alanine, an amino acid with dissimilar properties. This amino acid position is conserved. In addition, this alteration is predicted to be deleterious by in silico analysis. Based on the available evidence, the clinical significance of this variant remains unclear.